The following is an entry in ClinVar:

NM_004958.4(MTOR):c.4924C>G (p.Leu1642Val)

Gene: MTOR (mechanistic target of rapamycin kinase; minus strand). Cytogenetic location: 1p36.22.
Variant type: single nucleotide variant.
Coding change: c.4924C>G on transcript NM_004958.4 (MANE Select); coding-DNA position 4924, C replaced by G.
Protein change: p.Leu1642Val; replaces leucine 1642 with valine.
Molecular consequence: missense variant.
Genome position (GRCh38, 1-based): chr1:11,139,607, G>C on the plus strand (C>G on the coding strand, the complement: MTOR is on the minus strand). VCF-style: chr1-11139607-G-C. GRCh37 (hg19) VCF-style: chr1-11199664-G-C.
Other names: p.Leu1642Val; c.4924C>G, p.Leu1642Val (NM_001386500.1); c.3676C>G, p.Leu1226Val (NM_001386501.1); short protein forms L1226V, L1642V.
Identifiers: ClinVar variation 4542170 (VCV004542170.2).
Genomic context (GRCh38, chr1:11,139,607, plus strand): 5'-TGCCGCACAGGCTTGCATACTTGAGCCAGGTTCTCATGTCTTCATGAGGGCTGACCACAA[G>C]GGACCGCACCATAAGGATTTTCTGCCAGTCCTCTACGATACGCTGGCAGCCCTGGAACAT-3'
Protein context (NP_004949.1, residues 1632-1652): DWQKILMVRS[Leu1642Val]VVSPHEDMRT

ClinVar aggregate classification (germline): Uncertain significance. Review status: criteria provided, multiple submitters, no conflicts (2 of 4 stars). 2 submissions from 2 submitters: Uncertain significance (2). Last evaluated 2026-08-04.

Conditions:
Inborn genetic diseases. Identifiers: MedGen C0950123, MeSH D030342.

gnomAD v4.1: 10 of 1,614,096 alleles (0.00062%); highest among the groups gnomAD compares: Non-Finnish European, 0.00076%; no homozygotes.

Submissions (2):

Ambry Genetics
Classification: Uncertain significance for Inborn genetic diseases. Last evaluated: 2026-08-04. Review status: criteria provided, single submitter. Criteria: Ambry Variant Classification Scheme 2023. Collection method: clinical testing. Allele origin: germline.
Comment: The c.4924C>G (p.L1642V) alteration is located in exon 35 (coding exon 34) of the MTOR gene. This alteration results from a C to G substitution at nucleotide position 4924, causing the leucine (L) at amino acid position 1642 to be replaced by a valine (V). Based on data from gnomAD, the G allele has an overall frequency of <0.001% (1/251476) total alleles studied. The highest observed frequency was 0.001% (1/113752) of European (non-Finnish) alleles. Based on insufficient or conflicting evidence, the clinical significance of this alteration remains unclear.

Mayo Clinic Laboratories, Mayo Clinic
Classification: Uncertain significance. Last evaluated: 2025-11-02. Review status: criteria provided, single submitter. Criteria: ACMG Guidelines, 2015. Collection method: clinical testing. Allele origin: germline. Observed: 1 variant allele.
Comment: PP2, PP3